The following is an entry in ClinVar:

NM_001370259.2(MEN1):c.118G>C (p.Val40Leu)

Gene: MEN1 (menin 1; minus strand). Cytogenetic location: 11q13.1.
Variant type: single nucleotide variant.
Coding change: c.118G>C on transcript NM_001370259.2 (MANE Select); coding-DNA position 118, G replaced by C.
Protein change: p.Val40Leu; replaces valine 40 with leucine.
Molecular consequence: missense variant. On other transcripts: non-coding transcript variant (4).
Genome position (GRCh38, 1-based): chr11:64,809,992, C>G on the plus strand (G>C on the coding strand, the complement: MEN1 is on the minus strand). VCF-style: chr11-64809992-C-G. GRCh37 (hg19) VCF-style: chr11-64577464-C-G.
Other names: c.118G>C, p.Val40Leu (NM_000244.4, NM_001370251.2, NM_001370260.2 and 20 more transcripts); short protein forms V40L.
Identifiers: ClinVar variation 3394989 (VCV003394989.1).
Genomic context (GRCh38, chr11:64,809,992, plus strand): 5'-CGGGAACGTTGGTAGGGATGACGCGGTTGACAGCCAGAAAATGCTCCACGAAGCCCAGCA[C>G]CAAGGAAAGGAGCACCAGGTCCGGCTCCTCTCGGCCCAGCTCGGCAGCAAACAGGCGCAC-3'
Protein context (NP_001357188.2, residues 30-50): EEPDLVLLSL[Val40Leu]LGFVEHFLAV

ClinVar aggregate classification (germline): Uncertain significance (1 of 4 stars; one submission).

Conditions:
Hereditary cancer-predisposing syndrome. Also called: Hereditary Cancer Syndrome; Tumor predisposition; Hereditary neoplastic syndrome; Neoplastic Syndromes, Hereditary. Identifiers: Orphanet 140162, MedGen C0027672, MeSH D009386, MONDO:0015356.

Submission:

Ambry Genetics
Classification: Uncertain significance for Hereditary cancer-predisposing syndrome. Last evaluated: 2024-10-28. Review status: criteria provided, single submitter. Criteria: Ambry Variant Classification Scheme 2023. Collection method: clinical testing. Allele origin: germline.
Comment: The p.V40L variant (also known as c.118G>C), located in coding exon 1 of the MEN1 gene, results from a G to C substitution at nucleotide position 118. The valine at codon 40 is replaced by leucine, an amino acid with highly similar properties. This amino acid position is conserved. In addition, this alteration is predicted to be deleterious by in silico analysis. Based on the available evidence, the clinical significance of this variant remains unclear.